The following is an entry in ClinVar:

NM_021620.4(PRDM13):c.380C>T (p.Pro127Leu)

Gene: PRDM13 (PR/SET domain 13; plus strand). Cytogenetic location: 6q16.2.
Variant type: single nucleotide variant.
Coding change: c.380C>T on transcript NM_021620.4 (MANE Select); coding-DNA position 380, C replaced by T.
Protein change: p.Pro127Leu; replaces proline 127 with leucine.
Molecular consequence: missense variant.
Genome position (GRCh38, 1-based): chr6:99,609,290, C>T. VCF-style: chr6-99609290-C-T. GRCh37 (hg19) VCF-style: chr6-100057166-C-T.
Other names: c.380C>T (NM_021620.3); short protein forms P127L.
Identifiers: ClinVar variation 1927646 (VCV001927646.6), dbSNP rs760085132, ClinGen allele CA3936184.

ClinVar aggregate classification (germline): Uncertain significance. Review status: criteria provided, multiple submitters, no conflicts (2 of 4 stars). 2 submissions from 2 submitters: Uncertain significance (2). Last evaluated 2023-12-12.

Conditions:
Inborn genetic diseases. Identifiers: MedGen C0950123, MeSH D030342.

Allele frequency attached by ClinVar (database versions not stated): gnomAD exomes 0.00001; TOPMed 0.00002; gnomAD 0.00003; ExAC 0.00004.
gnomAD v4.1: 16 of 1,613,998 alleles (0.00099%); highest among the groups gnomAD compares: East Asian, 0.033%; no homozygotes.

Submissions (2):

Ambry Genetics
Classification: Uncertain significance for Inborn genetic diseases. Last evaluated: 2023-12-12. Review status: criteria provided, single submitter. Criteria: Ambry Variant Classification Scheme 2023. Collection method: clinical testing. Allele origin: germline.

Labcorp Genetics (formerly Invitae), Labcorp
Classification: Uncertain significance. Last evaluated: 2022-08-01. Review status: criteria provided, single submitter. Criteria: Invitae Variant Classification Sherloc (09022015). Collection method: clinical testing. Allele origin: germline.
Comment: In summary, the available evidence is currently insufficient to determine the role of this variant in disease. Therefore, it has been classified as a Variant of Uncertain Significance. Algorithms developed to predict the effect of missense changes on protein structure and function are either unavailable or do not agree on the potential impact of this missense change (SIFT: "Deleterious"; PolyPhen-2: "Benign"; Align-GVGD: "Class C65"). This variant has not been reported in the literature in individuals affected with PRDM13-related conditions. This variant is present in population databases (rs760085132, gnomAD 0.06%). This sequence change replaces proline, which is neutral and non-polar, with leucine, which is neutral and non-polar, at codon 127 of the PRDM13 protein (p.Pro127Leu).